The following is an entry in ClinVar:

ClinVar aggregate classification (germline): Uncertain significance (1 of 4 stars; one submission).

Allele frequency attached by ClinVar (database versions not stated): gnomAD 0.00012 and 0.00013; TOPMed 0.00018.
gnomAD v4.1: 463 of 1,590,194 alleles (0.029%); highest among the groups gnomAD compares: Non-Finnish European, 0.038%; no homozygotes.

Submission:

Labcorp Genetics (formerly Invitae), Labcorp
Classification: Uncertain significance. Last evaluated: 2025-11-25. Review status: criteria provided, single submitter. Criteria: Invitae Variant Classification Sherloc (09022015). Collection method: clinical testing. Allele origin: germline.
Comment: This sequence change replaces isoleucine, which is neutral and non-polar, with methionine, which is neutral and non-polar, at codon 205 of the SNRPB protein (p.Ile205Met). This variant is present in population databases (rs143558376, gnomAD 0.04%), and has an allele count higher than expected for a pathogenic variant. This variant has not been reported in the literature in individuals affected with SNRPB-related conditions. ClinVar contains an entry for this variant (Variation ID: 1421681). An algorithm developed to predict the effect of missense changes on protein structure and function outputs the following: PolyPhen-2: "Not Available". The methionine amino acid residue is found in multiple mammalian species, which suggests that this missense change does not adversely affect protein function. In summary, the available evidence is currently insufficient to determine the role of this variant in disease. Therefore, it has been classified as a Variant of Uncertain Significance.

NM_003091.4(SNRPB):c.615C>G (p.Ile205Met)

Gene: SNRPB (small nuclear ribonucleoprotein polypeptides B and B1; minus strand). Cytogenetic location: 20p13.
Variant type: single nucleotide variant.
Coding change: c.615C>G on transcript NM_003091.4 (MANE Select); coding-DNA position 615, C replaced by G.
Protein change: p.Ile205Met; replaces isoleucine 205 with methionine.
Molecular consequence: missense variant.
Genome position (GRCh38, 1-based): chr20:2,462,706, G>C on the plus strand (C>G on the coding strand, the complement: SNRPB is on the minus strand). VCF-style: chr20-2462706-G-C. GRCh37 (hg19) VCF-style: chr20-2443352-G-C.
Other names: c.615C>G, p.Ile205Met (NM_198216.2); short protein forms I205M.
Identifiers: ClinVar variation 1421681 (VCV001421681.6), dbSNP rs143558376, ClinGen allele CA9732387.
Genomic context (GRCh38, chr20:2,462,706, plus strand): 5'-AGGGGGAGGAGGCCGCATTCCCGGAGGGGGCATGCCCATTGGAGTCCCTCTTCCAGGGGG[G>C]ATCCCCATTGGGGGACCCATAGGAGGTCTCATACCAGGAGGTGGGCCCATCATGCCTGCA-3'
Protein context (NP_003082.1, residues 195-215): MRPPMGPPMG[Ile205Met]PPGRGTPMGM